The following is an entry in ClinVar:

NM_018136.5(ASPM):c.1429G>A (p.Asp477Asn)

Gene: ASPM (assembly factor for spindle microtubules; minus strand). Cytogenetic location: 1q31.3.
Variant type: single nucleotide variant.
Coding change: c.1429G>A on transcript NM_018136.5 (MANE Select); coding-DNA position 1429, G replaced by A.
Protein change: p.Asp477Asn; replaces aspartic acid 477 with asparagine.
Molecular consequence: missense variant.
Genome position (GRCh38, 1-based): chr1:197,142,823, C>T on the plus strand (G>A on the coding strand, the complement: ASPM is on the minus strand). VCF-style: chr1-197142823-C-T. GRCh37 (hg19) VCF-style: chr1-197111953-C-T.
Other names: c.1429G>A, p.Asp477Asn (NM_001206846.2); short protein forms D477N.
Identifiers: ClinVar variation 1997033 (VCV001997033.4), dbSNP rs149162314, ClinGen allele CA344016300.
Genomic context (GRCh38, chr1:197,142,823, plus strand): 5'-CAGTGGCAGAAAGTATTGGACGTCTCTTAGGTTGTTTATTGTGGCTATGACTAGAAATAT[C>T]CTGAACTGCAGAAAATTTAGGATTATTTTGTTTTATAAAACTGTAGTAATTTGACTTCAT-3'
Protein context (NP_060606.3, residues 467-487): QNNPKFSAVQ[Asp477Asn]ISSHSHNKQP

ClinVar aggregate classification (germline): Uncertain significance (1 of 4 stars; one submission).

Submission:

Labcorp Genetics (formerly Invitae), Labcorp
Classification: Uncertain significance. Last evaluated: 2025-01-13. Review status: criteria provided, single submitter. Criteria: Invitae Variant Classification Sherloc (09022015). Collection method: clinical testing. Allele origin: germline.
Comment: This sequence change replaces aspartic acid, which is acidic and polar, with asparagine, which is neutral and polar, at codon 477 of the ASPM protein (p.Asp477Asn). This variant is not present in population databases (gnomAD no frequency). This variant has not been reported in the literature in individuals affected with ASPM-related conditions. ClinVar contains an entry for this variant (Variation ID: 1997033). Invitae Evidence Modeling of protein sequence and biophysical properties (such as structural, functional, and spatial information, amino acid conservation, physicochemical variation, residue mobility, and thermodynamic stability) indicates that this missense variant is not expected to disrupt ASPM protein function with a negative predictive value of 80%. In summary, the available evidence is currently insufficient to determine the role of this variant in disease. Therefore, it has been classified as a Variant of Uncertain Significance.